The following is an entry in ClinVar:

ClinVar aggregate classification (germline): Pathogenic/Likely pathogenic. Review status: criteria provided, multiple submitters, no conflicts (2 of 4 stars). 3 submissions from 3 submitters: Pathogenic (1); Likely pathogenic (2). Last evaluated 2024-12-31.

Conditions:
Severe combined immunodeficiency, autosomal recessive, T cell-negative, B cell-negative, NK cell-positive. Also called: SCID, T CELL-NEGATIVE, B CELL-NEGATIVE, NK CELL-POSITIVE; SCID, AR, T-cell negative, B-cell negative, NK cell-positive; Severe combined immunodeficiency due to complete RAG1/2 deficiency. Identifiers: Orphanet 331206, MedGen C1832322, MONDO:0011086, OMIM 601457.
Combined immunodeficiency with skin granulomas. Identifiers: Orphanet 157949, MedGen C2673536, MONDO:0009306, OMIM 233650.
Histiocytic medullary reticulosis. Also called: SEVERE COMBINED IMMUNODEFICIENCY WITH HYPEREOSINOPHILIA; Omenn syndrome. Identifiers: Orphanet 39041, MedGen C2700553, MONDO:0011338, OMIM 603554.

Submissions (3):

Natera, Inc.
Classification: Likely pathogenic for Omenn syndrome. Last evaluated: 2024-12-31. Review status: criteria provided, single submitter. Criteria: Natera Variant Classification Schema (03/2026). Collection method: clinical testing. Allele origin: germline.
Comment: The c.548dupT variant in RAG2 is a frameshift variant predicted to shift the reading frame beginning at codon 184 and leads to a stop codon 5 codons downstream. This variant is expected to result in nonsense mediated decay, truncation, or a dysfunctional protein product. This variant is rare in the general population with a frequency below the threshold expected for the associated phenotype(s). Given the available evidence, this variant is classified as Likely Pathogenic.

Labcorp Genetics (formerly Invitae), Labcorp
Classification: Pathogenic for Combined immunodeficiency with skin granulomas; Severe combined immunodeficiency, autosomal recessive, T cell-negative, B cell-negative, NK cell-positive. Last evaluated: 2023-07-06. Review status: criteria provided, single submitter. Criteria: Invitae Variant Classification Sherloc (09022015). Collection method: clinical testing. Allele origin: germline.
Comment: For these reasons, this variant has been classified as Pathogenic. This variant disrupts a region of the RAG2 protein in which other variant(s) (p.Glu480*) have been determined to be pathogenic (PMID: 21624848, 29772310). This suggests that this is a clinically significant region of the protein, and that variants that disrupt it are likely to be disease-causing. This variant has not been reported in the literature in individuals affected with RAG2-related conditions. This variant is not present in population databases (gnomAD no frequency). This sequence change creates a premature translational stop signal (p.Leu184Profs*5) in the RAG2 gene. While this is not anticipated to result in nonsense mediated decay, it is expected to disrupt the last 344 amino acid(s) of the RAG2 protein.

Baylor Genetics
Classification: Likely pathogenic for Combined immunodeficiency with skin granulomas. Last evaluated: 2022-08-09. Review status: criteria provided, single submitter. Criteria: ACMG Guidelines, 2015. Collection method: clinical testing. Allele origin: unknown.

Literature cited by the submitters: PubMed 21624848 (cited by Labcorp Genetics (formerly Invitae), Labcorp); PubMed 29772310 (cited by Labcorp Genetics (formerly Invitae), Labcorp).

NM_000536.4(RAG2):c.548dup (p.Leu184fs)

Gene: RAG2 (recombination activating 2; minus strand). Cytogenetic location: 11p12.
Variant type: Duplication.
Coding change: c.548dup on transcript NM_000536.4 (MANE Select); coding-DNA position 548, one base duplicated (T; older notation c.548dupT).
Protein change: p.Leu184fs; shifts the reading frame from leucine 184.
Molecular consequence: frameshift variant.
Genome position (GRCh38, 1-based): chr11:36,593,621, A duplicated on the plus strand (T on the coding strand, the reverse complement: RAG2 is on the minus strand); the first of 4 consecutive A bases (chr11:36,593,621-36,593,624); duplicating any one gives the same sequence. VCF-style (leftmost placement, unchanged base first): chr11-36593620-G-GA. GRCh37 (hg19) VCF-style: chr11-36615170-G-GA.
Other names: c.548dup, p.Leu184fs (NM_001243785.2, NM_001243786.2); c.548dupT (NM_000536.3); short protein forms L184fs.
Identifiers: ClinVar variation 2678216 (VCV002678216.5), dbSNP rs2494795418, ClinGen allele CA2695201125.